The following is an entry in ClinVar:

NM_000368.5(TSC1):c.3467A>G (p.Tyr1156Cys)

Gene: TSC1 (TSC complex subunit 1; minus strand). Cytogenetic location: 9q34.13.
Variant type: single nucleotide variant.
Coding change: c.3467A>G on transcript NM_000368.5 (MANE Select); coding-DNA position 3467, A replaced by G.
Protein change: p.Tyr1156Cys; replaces tyrosine 1156 with cysteine.
Molecular consequence: missense variant.
Genome position (GRCh38, 1-based): chr9:132,896,263, T>C on the plus strand (A>G on the coding strand, the complement: TSC1 is on the minus strand). VCF-style: chr9-132896263-T-C. GRCh37 (hg19) VCF-style: chr9-135771650-T-C.
Other names: c.3464A>G, p.Tyr1155Cys (NM_001162426.2, NM_001406597.1, NM_001406598.1 and 2 more transcripts); c.3314A>G, p.Tyr1105Cys (NM_001162427.2, NM_001406610.1); c.3104A>G, p.Tyr1035Cys (NM_001362177.2, NM_001406614.1, NM_001406615.1 and 4 more transcripts); c.3467A>G, p.Tyr1156Cys (NM_001406592.1, NM_001406593.1, NM_001406594.1 and 2 more transcripts); c.3452A>G, p.Tyr1151Cys (NM_001406601.1, NM_001406602.1); c.3449A>G, p.Tyr1150Cys (NM_001406603.1, NM_001406604.1); c.3425A>G, p.Tyr1142Cys (NM_001406605.1, NM_001406606.1, NM_001406607.1); c.3422A>G, p.Tyr1141Cys (NM_001406608.1, NM_001406609.1); and 8 more; short protein forms Y1021C, Y1034C, Y1105C, Y1150C, Y1155C, Y805C, Y838C, Y1020C.
Identifiers: ClinVar variation 2337477 (VCV002337477.3), dbSNP rs2538420388, ClinGen allele CA375366310.

ClinVar aggregate classification (germline): Uncertain significance (1 of 4 stars; one submission).

Conditions:
Hereditary cancer-predisposing syndrome. Also called: Hereditary Cancer Syndrome; Hereditary neoplastic syndrome; Neoplastic Syndromes, Hereditary; Tumor predisposition. Identifiers: Orphanet 140162, MedGen C0027672, MeSH D009386, MONDO:0015356.

Submission:

Ambry Genetics
Classification: Uncertain significance for Hereditary cancer-predisposing syndrome. Last evaluated: 2024-12-09. Review status: criteria provided, single submitter. Criteria: Ambry Variant Classification Scheme 2023. Collection method: clinical testing. Allele origin: germline.
Comment: The p.Y1156C variant (also known as c.3467A>G), located in coding exon 21 of the TSC1 gene, results from an A to G substitution at nucleotide position 3467. The tyrosine at codon 1156 is replaced by cysteine, an amino acid with highly dissimilar properties. This amino acid position is conserved. In addition, this alteration is predicted to be deleterious by in silico analysis. Based on the available evidence, the clinical significance of this variant remains unclear.